The following is an entry in ClinVar:

NM_000528.4(MAN2B1):c.645_646insAG (p.Phe216fs)

Gene: MAN2B1 (mannosidase alpha class 2B member 1; minus strand). Cytogenetic location: 19p13.13.
Variant type: Insertion.
Coding change: c.645_646insAG on transcript NM_000528.4 (MANE Select); coding-DNA positions 645 to 646, AG inserted.
Protein change: p.Phe216fs; shifts the reading frame from phenylalanine 216.
Molecular consequence: frameshift variant.
Genome position: GRCh38 VCF-style: chr19-12663820-A-ACT. GRCh37 (hg19) VCF-style: chr19-12774634-A-ACT.
Other names: c.645_646insAG, p.Phe216fs (NM_001173498.2); short protein forms F216fs.
Identifiers: ClinVar variation 1725117 (VCV001725117.2), dbSNP rs2512512548, ClinGen allele CA2580096639.

ClinVar aggregate classification (germline): Likely pathogenic (1 of 4 stars; one submission).

Conditions:
Deficiency of alpha-mannosidase (MANSA). Also called: Mannosidosis, alpha-, types I and II; LYSOSOMAL ALPHA-D-MANNOSIDASE DEFICIENCY; Alpha-Mannosidosis. Identifiers: Orphanet 61, MedGen C0024748, MONDO:0009561, OMIM 248500.

Submission:

Myriad Genetics, Inc.
Classification: Likely pathogenic for Deficiency of alpha-mannosidase. Last evaluated: 2021-11-30. Review status: criteria provided, single submitter. Criteria: Myriad Women's Health Autosomal Recessive and X-Linked Classification Criteria (2021). Collection method: clinical testing. Allele origin: unknown.
Comment: NM_000528.3(MAN2B1):c.645_646insAG(F216Sfs*31) is expected to be pathogenic in the context of alpha-mannosidosis. This variant is predicted to lead to an abnormal or absent protein product due to the creation of a premature termination codon in MAN2B1, a gene where loss-of-function variants are known to be pathogenic. Please note: this variant was assessed in the context of healthy population screening.